The following is an entry in ClinVar:

ClinVar aggregate classification (germline): Uncertain significance (1 of 4 stars; one submission).

Submission:

Labcorp Genetics (formerly Invitae), Labcorp
Classification: Uncertain significance. Last evaluated: 2024-01-12. Review status: criteria provided, single submitter. Criteria: Invitae Variant Classification Sherloc (09022015). Collection method: clinical testing. Allele origin: germline.
Comment: This sequence change replaces lysine, which is basic and polar, with glutamic acid, which is acidic and polar, at codon 121 of the DDX59 protein (p.Lys121Glu). This variant is not present in population databases (gnomAD no frequency). This variant has not been reported in the literature in individuals affected with DDX59-related conditions. Advanced modeling of protein sequence and biophysical properties (such as structural, functional, and spatial information, amino acid conservation, physicochemical variation, residue mobility, and thermodynamic stability) performed at Invitae indicates that this missense variant is not expected to disrupt DDX59 protein function with a negative predictive value of 80%. In summary, the available evidence is currently insufficient to determine the role of this variant in disease. Therefore, it has been classified as a Variant of Uncertain Significance.

NM_001031725.6(DDX59):c.361A>G (p.Lys121Glu)

Gene: DDX59 (DEAD-box helicase 59; minus strand). Cytogenetic location: 1q32.1.
Variant type: single nucleotide variant.
Coding change: c.361A>G on transcript NM_001031725.6 (MANE Select); coding-DNA position 361, A replaced by G.
Protein change: p.Lys121Glu; replaces lysine 121 with glutamic acid.
Molecular consequence: missense variant.
Genome position (GRCh38, 1-based): chr1:200,666,380, T>C on the plus strand (A>G on the coding strand, the complement: DDX59 is on the minus strand). VCF-style: chr1-200666380-T-C. GRCh37 (hg19) VCF-style: chr1-200635508-T-C.
Other names: c.361A>G, p.Lys121Glu (NM_001320181.2, NM_001320182.1, NM_001349799.3 and 5 more transcripts); short protein forms K121E.
Identifiers: ClinVar variation 2709174 (VCV002709174.3), dbSNP rs1362769179, ClinGen allele CA344151559.